The following is an entry in ClinVar:

ClinVar aggregate classification (germline): Pathogenic (1 of 4 stars; one submission).

Conditions:
Joubert syndrome. Also called: Familial aplasia of the vermis; CEREBELLOPARENCHYMAL DISORDER IV; JOUBERT-BOLTSHAUSER SYNDROME. Identifiers: Orphanet 475, MedGen C5979921, MONDO:0018772.
Meckel-Gruber syndrome. Also called: Dysencephalia splachnocystica; DYSENCEPHALIA SPLANCHNOCYSTICA; GRUBER SYNDROME. Identifiers: Orphanet 564, MedGen C0265215, MONDO:0018921.
Nephronophthisis. Also called: Juvenile Nephronophthisis. Identifiers: Orphanet 655, MedGen C0687120, MONDO:0019005, HP:0000090.

Submission:

Labcorp Genetics (formerly Invitae), Labcorp
Classification: Pathogenic for Joubert syndrome; Meckel-Gruber syndrome; Nephronophthisis. Last evaluated: 2021-12-22. Review status: criteria provided, single submitter. Criteria: Invitae Variant Classification Sherloc (09022015). Collection method: clinical testing. Allele origin: germline.
Comment: This variant is a gross deletion of the genomic region encompassing exon(s) 13-17 of the CEP290 gene. This deletion is out-of-frame, and is expected to create a premature termination codon and result in an absent or disrupted protein product. Loss-of-function variants in CEP290 are known to be pathogenic (PMID: 16909394, 17345604, 20690115). This variant has not been reported in the literature in individuals affected with CEP290-related conditions. For these reasons, this variant has been classified as Pathogenic.

Literature cited by the submitters: PubMed 16909394; PubMed 17345604; PubMed 20690115.

NC_000012.11:g.(?_88512250)_(88519156_?)del

Gene: CEP290 (centrosomal protein 290; minus strand). Cytogenetic location: 12q21.32.
Variant type: Deletion.
Identifiers: ClinVar variation 1072250 (VCV001072250.9).